The following is an entry in ClinVar:

NM_014795.4(ZEB2):c.157_158delinsTT (p.Ala53Phe)

Gene: ZEB2 (zinc finger E-box binding homeobox 2; minus strand). Cytogenetic location: 2q22.3.
Variant type: Indel.
Coding change: c.157_158delinsTT on transcript NM_014795.4 (MANE Select); coding-DNA positions 157 to 158, GC replaced by TT.
Protein change: p.Ala53Phe; replaces alanine 53 with phenylalanine.
Molecular consequence: missense variant.
Genome position (GRCh38, 1-based): chr2:144,429,942-144,429,943, GC replaced by AA on the plus strand (GC replaced by TT on the coding strand, the reverse complement: ZEB2 is on the minus strand). VCF-style: chr2-144429942-GC-AA. GRCh37 (hg19) VCF-style: chr2-145187509-GC-AA.
Other names: c.157_158delinsTT, p.Ala53Phe (NM_001171653.2); short protein forms A53F.
Identifiers: ClinVar variation 3778622 (VCV003778622.7).

ClinVar aggregate classification (germline): Uncertain significance (1 of 4 stars; one submission).

Submission:

CeGaT Center for Human Genetics Tuebingen
Classification: Uncertain significance. Last evaluated: 2025-03-01. Review status: criteria provided, single submitter. Criteria: CeGaT Center For Human Genetics Tuebingen Variant Classification Criteria Version 2. Collection method: clinical testing. Allele origin: germline. Affected: yes. Observed: 1 variant allele.
Comment: ZEB2: PM2, BP1